The following is an entry in ClinVar:

ClinVar aggregate classification (germline): Conflicting classifications of pathogenicity. Review status: criteria provided, conflicting classifications (1 of 4 stars). 4 submissions from 4 submitters: Uncertain significance (3); Likely benign (1). Last evaluated 2026-01-30.

Conditions:
Inborn genetic diseases. Identifiers: MedGen C0950123, MeSH D030342.
SRCAP-related disorder. Also called: SRCAP-related condition.

Allele frequency attached by ClinVar (database versions not stated): gnomAD 0.00003; ExAC 0.00010.
gnomAD v4.1: 26 of 1,492,702 alleles (0.0017%); highest among the groups gnomAD compares: Admixed American, 0.015%; no homozygotes.

Submissions (4):

GeneDx
Classification: Uncertain significance. Last evaluated: 2026-01-30. Review status: criteria provided, single submitter. Criteria: GeneDx Variant Classification Process June 2021. Collection method: clinical testing. Allele origin: germline.
Comment: In silico analysis supports that this missense variant has a deleterious effect on protein structure/function; Has not been previously published as pathogenic or benign to our knowledge

Labcorp Genetics (formerly Invitae), Labcorp
Classification: Uncertain significance. Last evaluated: 2025-07-29. Review status: criteria provided, single submitter. Criteria: Invitae Variant Classification Sherloc (09022015). Collection method: clinical testing. Allele origin: germline.
Comment: This sequence change replaces arginine, which is basic and polar, with cysteine, which is neutral and slightly polar, at codon 3226 of the SRCAP protein (p.Arg3226Cys). This variant is present in population databases (rs746006737, gnomAD 0.03%). This variant has not been reported in the literature in individuals affected with SRCAP-related conditions. ClinVar contains an entry for this variant (Variation ID: 2636026). Invitae Evidence Modeling of protein sequence and biophysical properties (such as structural, functional, and spatial information, amino acid conservation, physicochemical variation, residue mobility, and thermodynamic stability) indicates that this missense variant is not expected to disrupt SRCAP protein function with a negative predictive value of 80%. In summary, the available evidence is currently insufficient to determine the role of this variant in disease. Therefore, it has been classified as a Variant of Uncertain Significance.

PreventionGenetics, part of Exact Sciences
Classification: Uncertain significance for SRCAP-related condition. Last evaluated: 2023-10-10. Review status: criteria provided, single submitter. Criteria: ACMG Guidelines, 2015. Collection method: clinical testing. Allele origin: germline.
Comment: The SRCAP c.9676C>T variant is predicted to result in the amino acid substitution p.Arg3226Cys. To our knowledge, this variant has not been reported in the literature. This variant is reported in 0.026% of alleles in individuals of Latino descent in gnomAD. Although we suspect that this variant may be benign, at this time, the clinical significance of this variant is uncertain due to the absence of conclusive functional and genetic evidence.

Ambry Genetics
Classification: Likely benign for Inborn genetic diseases. Last evaluated: 2021-08-13. Review status: criteria provided, single submitter. Criteria: Ambry Variant Classification Scheme 2023. Collection method: clinical testing. Allele origin: germline.

NM_006662.3(SRCAP):c.9676C>T (p.Arg3226Cys)

Gene: SRCAP (Snf2 related CREBBP activator protein; plus strand). Cytogenetic location: 16p11.2.
Variant type: single nucleotide variant.
Coding change: c.9676C>T on transcript NM_006662.3 (MANE Select); coding-DNA position 9676, C replaced by T.
Protein change: p.Arg3226Cys; replaces arginine 3226 with cysteine.
Molecular consequence: missense variant.
Genome position (GRCh38, 1-based): chr16:30,739,716, C>T. VCF-style: chr16-30739716-C-T. GRCh37 (hg19) VCF-style: chr16-30751037-C-T.
Other names: short protein forms R3226C.
Identifiers: ClinVar variation 2636026 (VCV002636026.6), dbSNP rs746006737, ClinGen allele CA8012976.
Genomic context (GRCh38, chr16:30,739,716, plus strand): 5'-CGCATCCTGCGCAGCAGCGCCCCTCCCTCCCTGGCTGGCCCTGCTGTTAGTCACAGAGGC[C>T]GCAAGGCCAAGACGTGAGTGGGCTGCCCCTCCACCTAGGCTTTCCACCGTGGCCACTCCC-3'
Protein context (NP_006653.2, residues 3216-3230): LAGPAVSHRG[Arg3226Cys]KAKT